The following is an entry in ClinVar:

ClinVar aggregate classification (germline): Uncertain significance (1 of 4 stars; one submission).

gnomAD v4.1: 1 of 1,613,250 alleles (0.000062%); highest among the groups gnomAD compares: Non-Finnish European, 0.000085%; no homozygotes.

Submission:

Ambry Genetics
Classification: Uncertain significance. Last evaluated: 2025-06-20. Review status: criteria provided, single submitter. Criteria: Ambry Variant Classification Scheme 2023. Collection method: clinical testing. Allele origin: germline.
Comment: The p.T62I variant (also known as c.185C>T), located in coding exon 1 of the MC1R gene, results from a C to T substitution at nucleotide position 185. The threonine at codon 62 is replaced by isoleucine, an amino acid with similar properties. This amino acid position is conserved. In addition, this alteration is predicted to be tolerated by in silico analysis. Based on the available evidence, the clinical significance of this variant remains unclear.

NM_002386.4(MC1R):c.185C>T (p.Thr62Ile)

Gene: MC1R (melanocortin 1 receptor; plus strand). Cytogenetic location: 16q24.3.
Variant type: single nucleotide variant.
Coding change: c.185C>T on transcript NM_002386.4 (MANE Select); coding-DNA position 185, C replaced by T.
Protein change: p.Thr62Ile; replaces threonine 62 with isoleucine.
Molecular consequence: missense variant.
Genome position (GRCh38, 1-based): chr16:89,919,443, C>T. VCF-style: chr16-89919443-C-T. GRCh37 (hg19) VCF-style: chr16-89985851-C-T.
Other names: short protein forms T62I.
Identifiers: ClinVar variation 4104841 (VCV004104841.1).